The following is an entry in ClinVar:

ClinVar aggregate classification (germline): Uncertain significance (1 of 4 stars; one submission).

Conditions:
Fanconi anemia (FA). Also called: Fanconi's anemia. Identifiers: Orphanet 84, MedGen C0015625, MeSH D005199, MONDO:0019391.

gnomAD v4.1: 17 of 1,613,978 alleles (0.0011%); highest among the groups gnomAD compares: Non-Finnish European, 0.0014%; no homozygotes.

Submission:

Labcorp Genetics (formerly Invitae), Labcorp
Classification: Uncertain significance for Fanconi anemia. Last evaluated: 2024-10-27. Review status: criteria provided, single submitter. Criteria: Invitae Variant Classification Sherloc (09022015). Collection method: clinical testing. Allele origin: germline.
Comment: This sequence change replaces arginine, which is basic and polar, with glycine, which is neutral and non-polar, at codon 212 of the FANCA protein (p.Arg212Gly). This variant is present in population databases (no rsID available, gnomAD 0.0009%). This variant has not been reported in the literature in individuals affected with FANCA-related conditions. Invitae Evidence Modeling of protein sequence and biophysical properties (such as structural, functional, and spatial information, amino acid conservation, physicochemical variation, residue mobility, and thermodynamic stability) indicates that this missense variant is not expected to disrupt FANCA protein function with a negative predictive value of 95%. In summary, the available evidence is currently insufficient to determine the role of this variant in disease. Therefore, it has been classified as a Variant of Uncertain Significance.

NM_000135.4(FANCA):c.634A>G (p.Arg212Gly)

Gene: FANCA (FA complementation group A; minus strand). Cytogenetic location: 16q24.3.
Variant type: single nucleotide variant.
Coding change: c.634A>G on transcript NM_000135.4 (MANE Select); coding-DNA position 634, A replaced by G.
Protein change: p.Arg212Gly; replaces arginine 212 with glycine.
Molecular consequence: missense variant.
Genome position (GRCh38, 1-based): chr16:89,805,355, T>C on the plus strand (A>G on the coding strand, the complement: FANCA is on the minus strand). VCF-style: chr16-89805355-T-C. GRCh37 (hg19) VCF-style: chr16-89871763-T-C.
Other names: c.634A>G, p.Arg212Gly (NM_001018112.3, NM_001286167.3); c.538A>G, p.Arg180Gly (NM_001351830.2); short protein forms R212G, R180G.
Identifiers: ClinVar variation 3730028 (VCV003730028.1).
Genomic context (GRCh38, chr16:89,805,355, plus strand): 5'-TGGCGACGTCAGCATGCTGGCAGGATGCTTCCATCTGTTCACAAAGGCAGCACAGATTCC[T>C]GAAGAGCCACGATCCCACAGCATGCATGTCGGGATGGCTGGAGACACACACAGAGGCAGA-3'
Protein context (NP_000126.2, residues 202-222): DMHAVGSWLF[Arg212Gly]NLCCLCEQME